The following is an entry in ClinVar:

NM_001367624.2(ZNF469):c.7309G>A (p.Asp2437Asn)

Gene: ZNF469 (zinc finger protein 469; plus strand). Cytogenetic location: 16q24.2.
Variant type: single nucleotide variant.
Coding change: c.7309G>A on transcript NM_001367624.2 (MANE Select); coding-DNA position 7309, G replaced by A.
Protein change: p.Asp2437Asn; replaces aspartic acid 2437 with asparagine.
Molecular consequence: missense variant.
Genome position (GRCh38, 1-based): chr16:88,434,779, G>A. VCF-style: chr16-88434779-G-A. GRCh37 (hg19) VCF-style: chr16-88501187-G-A.
Other names: short protein forms D2437N.
Identifiers: ClinVar variation 4537067 (VCV004537067.1).

ClinVar aggregate classification (germline): Uncertain significance (1 of 4 stars; one submission).

gnomAD v4.1: 4 of 1,550,338 alleles (0.00026%); highest among the groups gnomAD compares: Non-Finnish European, 0.00035%; no homozygotes.

Submission:

Women's Health and Genetics/Laboratory Corporation of America, LabCorp
Classification: Uncertain significance. Last evaluated: 2025-11-04. Review status: criteria provided, single submitter. Criteria: LabCorp Variant Classification Summary - May 2015. Collection method: clinical testing. Allele origin: germline.
Comment: Variant summary: ZNF469 c.7309G>A (p.Asp2437Asn) results in a conservative amino acid change in the encoded protein sequence. Algorithms developed to predict the effect of missense changes on protein structure and function are either unavailable or do not agree on the potential impact of this missense change. The variant was absent in 153242 control chromosomes. The available data on variant occurrences in the general population are insufficient to allow any conclusion about variant significance. To our knowledge, no occurrence of c.7309G>A in individuals affected with ZNF469-related conditions and no experimental evidence demonstrating its impact on protein function have been reported. No submitters have cited clinical-significance assessments for this variant to ClinVar. Based on the evidence outlined above, the variant was classified as uncertain significance.